The following is an entry in ClinVar:

NM_144672.4(OTOA):c.1537G>A (p.Ala513Thr)

Gene: OTOA (otoancorin). Cytogenetic location: 16p12.2.
Variant type: single nucleotide variant.
Coding change: c.1537G>A on transcript NM_144672.4 (MANE Select); coding-DNA position 1537, G replaced by A.
Protein change: p.Ala513Thr; replaces alanine 513 with threonine.
Molecular consequence: missense variant.
Genome position (GRCh38, 1-based): chr16:21,716,955, G>A. VCF-style: chr16-21716955-G-A. GRCh37 (hg19) VCF-style: chr16-21728276-G-A.
Other names: c.1300G>A, p.Ala434Thr (NM_001161683.2); c.565G>A, p.Ala189Thr (NM_170664.3); short protein forms A513T, A189T, A434T.
Identifiers: ClinVar variation 4626724 (VCV004626724.2).
Genomic context (GRCh38, chr16:21,716,955, plus strand): 5'-CGCTTCTGGCAGATGGTCCAAGCGGAAGACACTGCCCCAGGCATCGTGGAGATACAAGGG[G>A]CTTTCTTTAAGGAAGTGTCTCTCTTTGATTTAAGGAGGCAACCTGGATTCAACTCTACAG-3'
Protein context (NP_653273.3, residues 503-523): TAPGIVEIQG[Ala513Thr]FFKEVSLFDL

ClinVar aggregate classification (germline): Uncertain significance. Review status: criteria provided, multiple submitters, no conflicts (2 of 4 stars). 2 submissions from 2 submitters: Uncertain significance (2). Last evaluated 2026-04-06.

Conditions:
Inborn genetic diseases. Identifiers: MedGen C0950123, MeSH D030342.

gnomAD v4.1: 8 of 1,614,030 alleles (0.0005%); highest among the groups gnomAD compares: African/African-American, 0.008%; no homozygotes.

Submissions (2):

GeneDx
Classification: Uncertain significance. Last evaluated: 2026-04-06. Review status: criteria provided, single submitter. Criteria: GeneDx Variant Classification Process June 2021. Collection method: clinical testing. Allele origin: germline.
Comment: Not observed at significant frequency in large population cohorts (gnomAD); In silico analysis suggests that this missense variant does not alter protein structure/function; Has not been previously published as pathogenic or benign to our knowledge

Ambry Genetics
Classification: Uncertain significance for Inborn genetic diseases. Last evaluated: 2025-11-13. Review status: criteria provided, single submitter. Criteria: Ambry Variant Classification Scheme 2023. Collection method: clinical testing. Allele origin: germline.